The following is an entry in ClinVar:

NM_001371623.1(TCOF1):c.3368A>G (p.Asn1123Ser)

Gene: TCOF1 (treacle ribosome biogenesis factor 1; plus strand). Cytogenetic location: 5q32.
Variant type: single nucleotide variant.
Coding change: c.3368A>G on transcript NM_001371623.1 (MANE Select); coding-DNA position 3368, A replaced by G.
Protein change: p.Asn1123Ser; replaces asparagine 1123 with serine.
Molecular consequence: missense variant.
Genome position (GRCh38, 1-based): chr5:150,392,027, A>G. VCF-style: chr5-150392027-A-G. GRCh37 (hg19) VCF-style: chr5-149771590-A-G.
Other names: c.3137A>G, p.Asn1046Ser (NM_000356.4, NM_001135245.2); c.3368A>G, p.Asn1123Ser (NM_001135243.2); c.3254A>G, p.Asn1085Ser (NM_001135244.2, NM_001195141.2); short protein forms N1046S, N1085S, N1123S.
Identifiers: ClinVar variation 1518843 (VCV001518843.6), dbSNP rs2151037169, ClinGen allele CA361736579.
Genomic context (GRCh38, chr5:150,392,027, plus strand): 5'-CTGTGGGAACACTCCCTGCAACAAGTCCCCAGAGCACCTCCGTCCAGGCCAAAGGGACCA[A>G]CAAGCTCAGAAAACCTAAGCTTCCTGAGGTCCAGCAGGCCACCAAAGCCCCTGAGAGCTC-3'
Protein context (NP_001358552.1, residues 1113-1133): QSTSVQAKGT[Asn1123Ser]KLRKPKLPEV

ClinVar aggregate classification (germline): Uncertain significance (1 of 4 stars; one submission).

Conditions:
Treacher Collins syndrome 1 (TCS1). Also called: TCOF1-Related Treacher Collins Syndrome. Identifiers: Orphanet 861, MedGen CN315775, MONDO:0007944, OMIM 154500.

Submission:

Labcorp Genetics (formerly Invitae), Labcorp
Classification: Uncertain significance for Treacher Collins syndrome 1. Last evaluated: 2021-09-10. Review status: criteria provided, single submitter. Criteria: Invitae Variant Classification Sherloc (09022015). Collection method: clinical testing. Allele origin: germline.
Comment: This sequence change replaces asparagine with serine at codon 1123 of the TCOF1 protein (p.Asn1123Ser). The asparagine residue is highly conserved and there is a small physicochemical difference between asparagine and serine. This variant is not present in population databases (ExAC no frequency). This variant has not been reported in the literature in individuals affected with TCOF1-related conditions. Algorithms developed to predict the effect of missense changes on protein structure and function output the following: SIFT: "Deleterious"; PolyPhen-2: "Benign"; Align-GVGD: "Class C0". The serine amino acid residue is found in multiple mammalian species, which suggests that this missense change does not adversely affect protein function. In summary, the available evidence is currently insufficient to determine the role of this variant in disease. Therefore, it has been classified as a Variant of Uncertain Significance.